The following is an entry in ClinVar:

ClinVar aggregate classification (germline): Conflicting classifications of pathogenicity. Review status: criteria provided, conflicting classifications (1 of 4 stars). 3 submissions from 3 submitters: Uncertain significance (2); Likely benign (1). Last evaluated 2026-06-23.

Conditions:
Cardiovascular phenotype. Identifiers: MedGen CN230736.
Legius syndrome. Identifiers: Orphanet 137605, MedGen C1969623, MONDO:0012669, OMIM 611431. Disease mechanism: loss of function.

Allele frequency attached by ClinVar (database versions not stated): TOPMed 0.00001; gnomAD exomes below 0.00001; gnomAD 0.00001.
gnomAD v4.1: 4 of 1,613,896 alleles (0.00025%); highest among the groups gnomAD compares: African/African-American, 0.0053%; no homozygotes.

Submissions (3):

Ambry Genetics
Classification: Uncertain significance for Cardiovascular phenotype. Last evaluated: 2026-06-23. Review status: criteria provided, single submitter. Criteria: Ambry Variant Classification Scheme 2023. Collection method: clinical testing. Allele origin: germline.

Labcorp Genetics (formerly Invitae), Labcorp
Classification: Uncertain significance for Legius syndrome. Last evaluated: 2026-01-19. Review status: criteria provided, single submitter. Criteria: Invitae Variant Classification Sherloc (09022015). Collection method: clinical testing. Allele origin: germline.
Comment: This sequence change replaces asparagine, which is neutral and polar, with aspartic acid, which is acidic and polar, at codon 53 of the SPRED1 protein (p.Asn53Asp). This variant is present in population databases (no rsID available, gnomAD 0.007%). This variant has not been reported in the literature in individuals affected with SPRED1-related conditions. ClinVar contains an entry for this variant (Variation ID: 1400180). Invitae Evidence Modeling of protein sequence and biophysical properties (such as structural, functional, and spatial information, amino acid conservation, physicochemical variation, residue mobility, and thermodynamic stability) indicates that this missense variant is not expected to disrupt SPRED1 protein function with a negative predictive value of 80%. In summary, the available evidence is currently insufficient to determine the role of this variant in disease. Therefore, it has been classified as a Variant of Uncertain Significance.

Blueprint Genetics
Classification: Likely benign. Last evaluated: 2020-12-08. Review status: criteria provided, single submitter. Criteria: ACMG Guidelines, 2015. Collection method: clinical testing. Allele origin: germline.

NM_152594.3(SPRED1):c.157A>G (p.Asn53Asp)

Gene: SPRED1 (sprouty related EVH1 domain containing 1; plus strand). Cytogenetic location: 15q14.
Variant type: single nucleotide variant.
Coding change: c.157A>G on transcript NM_152594.3 (MANE Select); coding-DNA position 157, A replaced by G.
Protein change: p.Asn53Asp; replaces asparagine 53 with aspartic acid.
Molecular consequence: missense variant.
Genome position (GRCh38, 1-based): chr15:38,299,497, A>G. VCF-style: chr15-38299497-A-G. GRCh37 (hg19) VCF-style: chr15-38591698-A-G.
Other names: c.157A>G (NM_152594.2); short protein forms N53D.
Identifiers: ClinVar variation 1400180 (VCV001400180.10), dbSNP rs1261567261, ClinGen allele CA391934354.